The following is an entry in ClinVar:

NM_005633.4(SOS1):c.3436G>C (p.Glu1146Gln)

Gene: SOS1 (SOS Ras/Rac guanine nucleotide exchange factor 1; minus strand). Cytogenetic location: 2p22.1.
Variant type: single nucleotide variant.
Coding change: c.3436G>C on transcript NM_005633.4 (MANE Select); coding-DNA position 3436, G replaced by C.
Protein change: p.Glu1146Gln; replaces glutamic acid 1146 with glutamine.
Molecular consequence: missense variant.
Genome position (GRCh38, 1-based): chr2:38,987,547, C>G on the plus strand (G>C on the coding strand, the complement: SOS1 is on the minus strand). VCF-style: chr2-38987547-C-G. GRCh37 (hg19) VCF-style: chr2-39214688-C-G.
Other names: c.3415G>C, p.Glu1139Gln (NM_001382394.1); c.3391G>C, p.Glu1131Gln (NM_001382395.1); short protein forms E1146Q, E1139Q, E1131Q.
Identifiers: ClinVar variation 1898616 (VCV001898616.5), dbSNP rs1572797521, ClinGen allele CA346359715.
Genomic context (GRCh38, chr2:38,987,547, plus strand): 5'-ATTCTGCTGGGGCAGATTCTGGTCGTCTTCGTGGAGGAACAGGAGGAGGGACAGGCACTT[C>G]ATCAGTGCCTTTGGTTAAACTTATAGATGATACAGAAGCAGATCCTGTGGGATGTTAAAT-3'
Protein context (NP_005624.2, residues 1136-1156): SSISLTKGTD[Glu1146Gln]VPVPPPVPPR

ClinVar aggregate classification (germline): Uncertain significance (1 of 4 stars; one submission).

Conditions:
RASopathy. Also called: rasopathies; Noonan spectrum disorder. Identifiers: Orphanet 536391, MedGen C5555857, MONDO:0021060.

Submission:

Labcorp Genetics (formerly Invitae), Labcorp
Classification: Uncertain significance for RASopathy. Last evaluated: 2022-09-28. Review status: criteria provided, single submitter. Criteria: Invitae Variant Classification Sherloc (09022015). Collection method: clinical testing. Allele origin: germline.
Comment: This sequence change replaces glutamic acid, which is acidic and polar, with glutamine, which is neutral and polar, at codon 1146 of the SOS1 protein (p.Glu1146Gln). In summary, the available evidence is currently insufficient to determine the role of this variant in disease. Therefore, it has been classified as a Variant of Uncertain Significance. Algorithms developed to predict the effect of missense changes on protein structure and function (SIFT, PolyPhen-2, Align-GVGD) all suggest that this variant is likely to be tolerated. This variant has not been reported in the literature in individuals affected with SOS1-related conditions. This variant is not present in population databases (gnomAD no frequency).